The following is an entry in ClinVar:

ClinVar aggregate classification (germline): Uncertain significance (1 of 4 stars; one submission).

Conditions:
Kleefstra syndrome 2 (KLEFS2). Identifiers: MedGen C4540395, MONDO:0054701, OMIM 617768.

Submission:

Juno Genomics, Hangzhou Juno Genomics, Inc
Classification: Uncertain significance for Kleefstra syndrome 2. Review status: criteria provided, single submitter. Criteria: ACMG Guidelines, 2015. Collection method: clinical testing. Allele origin: germline.
Comment: Absent from controls (or at extremely low frequency if recessive) in Genome Aggregation Database.;Missense variant in a gene that has a low rate of benign missense variation.

NM_170606.3(KMT2C):c.4489G>A (p.Asp1497Asn)

Gene: KMT2C (lysine methyltransferase 2C; minus strand). Cytogenetic location: 7q36.1.
Variant type: single nucleotide variant.
Coding change: c.4489G>A on transcript NM_170606.3 (MANE Select); coding-DNA position 4489, G replaced by A.
Protein change: p.Asp1497Asn; replaces aspartic acid 1497 with asparagine.
Molecular consequence: missense variant.
Genome position (GRCh38, 1-based): chr7:152,194,458, C>T on the plus strand (G>A on the coding strand, the complement: KMT2C is on the minus strand). VCF-style: chr7-152194458-C-T. GRCh37 (hg19) VCF-style: chr7-151891543-C-T.
Other names: short protein forms D1497N.
Identifiers: ClinVar variation 5007187 (VCV005007187.2).